The following is an entry in ClinVar:

NM_001082971.2(DDC):c.1177C>G (p.Arg393Gly)

Gene: DDC (dopa decarboxylase; minus strand). Cytogenetic location: 7p12.2.
Variant type: single nucleotide variant.
Coding change: c.1177C>G on transcript NM_001082971.2 (MANE Select); coding-DNA position 1177, C replaced by G.
Protein change: p.Arg393Gly; replaces arginine 393 with glycine.
Molecular consequence: missense variant.
Genome position (GRCh38, 1-based): chr7:50,467,279, G>C on the plus strand (C>G on the coding strand, the complement: DDC is on the minus strand). VCF-style: chr7-50467279-G-C. GRCh37 (hg19) VCF-style: chr7-50534977-G-C.
Other names: c.1177C>G, p.Arg393Gly (NM_000790.4); c.1063C>G, p.Arg355Gly (NM_001242886.2); c.1033C>G, p.Arg345Gly (NM_001242887.2); c.943C>G, p.Arg315Gly (NM_001242888.2); c.898C>G, p.Arg300Gly (NM_001242889.2); c.1177C>G (NM_000790.3); short protein forms R300G, R315G, R345G, R355G, R393G.
Identifiers: ClinVar variation 2419102 (VCV002419102.5), dbSNP rs375309190, ClinGen allele CA367531704.

ClinVar aggregate classification (germline): Uncertain significance. Review status: criteria provided, multiple submitters, no conflicts (2 of 4 stars). 2 submissions from 2 submitters: Uncertain significance (2). Last evaluated 2024-02-28.

Conditions:
Inborn genetic diseases. Identifiers: MedGen C0950123, MeSH D030342.
Deficiency of aromatic-L-amino-acid decarboxylase. Also called: AADC DEFICIENCY; DDC DEFICIENCY; DOPA DECARBOXYLASE DEFICIENCY; Aromatic L-Amino Acid Decarboxylase Deficiency; Aromatic amino acid decarboxylase deficiency. Identifiers: Orphanet 35708, MedGen C1291564, MONDO:0012084, OMIM 608643.

gnomAD v4.1: 3 of 1,614,178 alleles (0.00019%); highest among the groups gnomAD compares: Non-Finnish European, 0.00025%; no homozygotes.

Submissions (2):

Ambry Genetics
Classification: Uncertain significance for Inborn genetic diseases. Last evaluated: 2024-02-28. Review status: criteria provided, single submitter. Criteria: Ambry Variant Classification Scheme 2023. Collection method: clinical testing. Allele origin: germline.

Labcorp Genetics (formerly Invitae), Labcorp
Classification: Uncertain significance for Deficiency of aromatic-L-amino-acid decarboxylase. Last evaluated: 2022-07-15. Review status: criteria provided, single submitter. Criteria: Invitae Variant Classification Sherloc (09022015). Collection method: clinical testing. Allele origin: germline.
Comment: This sequence change replaces arginine, which is basic and polar, with glycine, which is neutral and non-polar, at codon 393 of the DDC protein (p.Arg393Gly). This variant is not present in population databases (gnomAD no frequency). This variant has not been reported in the literature in individuals affected with DDC-related conditions. Algorithms developed to predict the effect of missense changes on protein structure and function (SIFT, PolyPhen-2, Align-GVGD) all suggest that this variant is likely to be tolerated. Algorithms developed to predict the effect of sequence changes on RNA splicing suggest that this variant may disrupt the consensus splice site. In summary, the available evidence is currently insufficient to determine the role of this variant in disease. Therefore, it has been classified as a Variant of Uncertain Significance.